The following is an entry in ClinVar:

NM_004991.4(MECOM):c.2413G>A (p.Val805Ile)

Gene: MECOM (MDS1 and EVI1 complex locus; minus strand). Cytogenetic location: 3q26.2.
Variant type: single nucleotide variant.
Coding change: c.2413G>A on transcript NM_004991.4 (MANE Select); coding-DNA position 2413, G replaced by A.
Protein change: p.Val805Ile; replaces valine 805 with isoleucine.
Molecular consequence: missense variant.
Genome position (GRCh38, 1-based): chr3:169,115,459, C>T on the plus strand (G>A on the coding strand, the complement: MECOM is on the minus strand). VCF-style: chr3-169115459-C-T. GRCh37 (hg19) VCF-style: chr3-168833247-C-T.
Other names: c.2044G>A, p.Val682Ile (NM_001105077.4); c.1849G>A, p.Val617Ile (NM_001105078.4, NM_001164000.2, NM_001205194.2 and 4 more transcripts); c.1852G>A, p.Val618Ile (NM_001163999.2, NM_001366467.2, NM_001366468.2 and 1 more transcripts); c.2413G>A, p.Val805Ile (NM_001366466.2); c.1441G>A, p.Val481Ile (NM_001366473.2); c.877G>A, p.Val293Ile (NM_001366474.2); c.2413G>A (NM_004991.3); short protein forms V293I, V617I, V805I, V481I, V682I, V618I.
Identifiers: ClinVar variation 2200274 (VCV002200274.7), dbSNP rs371128391, ClinGen allele CA2696180.

ClinVar aggregate classification (germline): Conflicting classifications of pathogenicity. Review status: criteria provided, conflicting classifications (1 of 4 stars). 2 submissions from 2 submitters: Uncertain significance (1); Likely benign (1). Last evaluated 2025-09-07.

Conditions:
Inborn genetic diseases. Identifiers: MedGen C0950123, MeSH D030342.

Allele frequency attached by ClinVar (database versions not stated): gnomAD 0.00003; TOPMed 0.00003; ExAC 0.00005; ESP Exome Variant Server 0.00008.
gnomAD v4.1: 161 of 1,613,992 alleles (0.01%); highest among the groups gnomAD compares: Middle Eastern, 0.049%; no homozygotes.

Submissions (2):

Labcorp Genetics (formerly Invitae), Labcorp
Classification: Uncertain significance. Last evaluated: 2025-09-07. Review status: criteria provided, single submitter. Criteria: Invitae Variant Classification Sherloc (09022015). Collection method: clinical testing. Allele origin: germline.
Comment: This sequence change replaces valine, which is neutral and non-polar, with isoleucine, which is neutral and non-polar, at codon 617 of the MECOM protein (p.Val617Ile). This variant is present in population databases (rs371128391, gnomAD 0.01%). This variant has not been reported in the literature in individuals affected with MECOM-related conditions. ClinVar contains an entry for this variant (Variation ID: 2200274). An algorithm developed to predict the effect of missense changes on protein structure and function outputs the following: PolyPhen-2: "Benign". The isoleucine amino acid residue is found in multiple mammalian species, which suggests that this missense change does not adversely affect protein function. In summary, the available evidence is currently insufficient to determine the role of this variant in disease. Therefore, it has been classified as a Variant of Uncertain Significance.

Ambry Genetics
Classification: Likely benign for Inborn genetic diseases. Last evaluated: 2024-11-23. Review status: criteria provided, single submitter. Criteria: Ambry Variant Classification Scheme 2023. Collection method: clinical testing. Allele origin: germline.